The following is an entry in ClinVar:

ClinVar aggregate classification (germline): Benign. Review status: criteria provided, multiple submitters, no conflicts (2 of 4 stars). 9 submissions from 8 submitters: Benign (6). 3 of the submissions do not count toward it. Last evaluated 2023-10-01.

Conditions:
Occult macular dystrophy (OCMD). Also called: OMD; OCCULT MACULAR DYSTROPHY, SUSCEPTIBILITY TO. Identifiers: Orphanet 247834, MedGen C3150833, MONDO:0013316, OMIM 613587, HP:0030636.
Retinitis pigmentosa 88. Identifiers: MedGen C5394208, MONDO:0032940, OMIM 618826.
Retinal dystrophy. Also called: Inherited retinal dystrophy. Identifiers: Orphanet 71862, MedGen C0854723, MeSH D058499, MONDO:0019118, HP:0000556.

Allele frequency attached by ClinVar (database versions not stated): ESP Exome Variant Server 0.52186; gnomAD 0.55174 and 0.56321; gnomAD exomes 0.55338 and 0.61395; TOPMed 0.56344; ExAC 0.60707; 1000 Genomes Project 0.64936.
gnomAD v4.1: 886,032 of 1,598,158 alleles (55%); highest among the groups gnomAD compares: East Asian, 95%; 251,271 homozygotes.

Submissions (9):

Dept Of Ophthalmology, Nagoya University
Classification: Benign for Retinal dystrophy. Last evaluated: 2023-10-01. Review status: criteria provided, single submitter. Criteria: Submitter's publication. Collection method: research. Allele origin: germline. Affected: yes.

Genome-Nilou Lab
Classification: Benign for Occult macular dystrophy. Last evaluated: 2021-11-07. Review status: criteria provided, single submitter. Criteria: ACMG Guidelines, 2015. Collection method: clinical testing. Allele origin: germline. Affected: no.

Genome-Nilou Lab
Classification: Benign for Retinitis pigmentosa 88. Last evaluated: 2021-11-07. Review status: criteria provided, single submitter. Criteria: ACMG Guidelines, 2015. Collection method: clinical testing. Allele origin: germline. Affected: no.

GeneDx
Classification: Benign. Last evaluated: 2018-06-26. Review status: criteria provided, single submitter. Criteria: GeneDx Variant Classification Process June 2021. Collection method: clinical testing. Allele origin: germline. Affected: yes.

Illumina Laboratory Services, Illumina
Classification: Benign for Occult macular dystrophy. Last evaluated: 2018-01-12. Review status: criteria provided, single submitter. Criteria: ICSL Variant Classification Criteria 13 December 2019. Collection method: clinical testing. Allele origin: germline.
Comment: This variant was observed in the ICSL laboratory as part of a predisposition screen in an ostensibly healthy population. It had not been previously curated by ICSL or reported in the Human Gene Mutation Database (HGMD: prior to June 1st, 2018), and was therefore a candidate for classification through an automated scoring system. Utilizing variant allele frequency, disease prevalence and penetrance estimates, and inheritance mode, an automated score was calculated to assess if this variant is too frequent to cause the disease. Based on the score and internal cut-off values, a variant classified as benign is not then subjected to further curation. The score for this variant resulted in a classification of benign for this disease.

Breakthrough Genomics
Classification: Benign. Review status: criteria provided, single submitter. Criteria: ACMG Guidelines, 2015. Collection method: not provided. Allele origin: germline. Inheritance: Autosomal recessive inheritance. Affected: yes.

Clinical Genetics DNA and cytogenetics Diagnostics Lab, Erasmus MC, Erasmus Medical Center
Classification: Benign. Review status: no assertion criteria provided. Collection method: clinical testing. Allele origin: germline. Affected: yes. Study: VKGL Data-share Consensus. Not counted in ClinVar's aggregate classification.

Diagnostic Laboratory, Department of Genetics, University Medical Center Groningen
Classification: Benign. Review status: no assertion criteria provided. Collection method: clinical testing. Allele origin: germline. Affected: yes. Study: VKGL Data-share Consensus. Not counted in ClinVar's aggregate classification.

Joint Genome Diagnostic Labs from Nijmegen and Maastricht, Radboudumc and MUMC+
Classification: Benign. Review status: no assertion criteria provided. Collection method: clinical testing. Allele origin: germline. Affected: yes. Study: VKGL Data-share Consensus. Not counted in ClinVar's aggregate classification.

NM_178857.6(RP1L1):c.5860A>G (p.Thr1954Ala)

Gene: RP1L1 (RP1 like 1). Cytogenetic location: 8p23.1.
Variant type: single nucleotide variant.
Coding change: c.5860A>G on transcript NM_178857.6 (MANE Select); coding-DNA position 5860, A replaced by G.
Protein change: p.Thr1954Ala; replaces threonine 1954 with alanine.
Molecular consequence: missense variant.
Genome position (GRCh38, 1-based): chr8:10,608,238, T>C on the plus strand (A>G on the coding strand, the complement: RP1L1 is on the minus strand). VCF-style: chr8-10608238-T-C. GRCh37 (hg19) VCF-style: chr8-10465748-T-C.
Other names: short protein forms T1954A.
Identifiers: ClinVar variation 361235 (VCV000361235.16), dbSNP rs11783478, ClinGen allele CA4623512.